The following is an entry in ClinVar:

ClinVar aggregate classification (germline): Conflicting classifications of pathogenicity. Review status: criteria provided, conflicting classifications (1 of 4 stars). 3 submissions from 3 submitters: Likely pathogenic (1); Uncertain significance (2). Last evaluated 2025-09-12.

Conditions:
Mucopolysaccharidosis, MPS-II (MPS2). Also called: IDS deficiency; Sulfoiduronate sulfatase deficiency; SIDS deficiency; Mucopolysaccharidosis type 2; Mucopolysaccharidosis Type II; Attenuated MPS (subtype; formerly known as mild MPS II). Identifiers: Orphanet 580, Orphanet 79388, MedGen C0026705, MONDO:0010674, OMIM 309900.

Submissions (3):

Labcorp Genetics (formerly Invitae), Labcorp
Classification: Uncertain significance for Mucopolysaccharidosis, MPS-II. Last evaluated: 2025-09-12. Review status: criteria provided, single submitter. Criteria: Invitae Variant Classification Sherloc (09022015). Collection method: clinical testing. Allele origin: germline.
Comment: This sequence change replaces proline, which is neutral and non-polar, with leucine, which is neutral and non-polar, at codon 473 of the IDS protein (p.Pro473Leu). This variant is not present in population databases (gnomAD no frequency). This missense change has been observed in individual(s) with mucopolysaccharidosis type II (PMID: 33676511). ClinVar contains an entry for this variant (Variation ID: 988763). Invitae Evidence Modeling of protein sequence and biophysical properties (such as structural, functional, and spatial information, amino acid conservation, physicochemical variation, residue mobility, and thermodynamic stability) indicates that this missense variant is expected to disrupt IDS protein function with a positive predictive value of 80%. In summary, the available evidence is currently insufficient to determine the role of this variant in disease. Therefore, it has been classified as a Variant of Uncertain Significance.

Laboratory of Diagnosis and Therapy of Lysosomal Disorders, University of Padova
Classification: Likely pathogenic for Mucopolysaccharidosis, MPS-II. Last evaluated: 2024-06-07. Review status: criteria provided, single submitter. Criteria: ACMG Guidelines, 2015. Collection method: literature only. Allele origin: germline. Affected: yes. Observed: 1 variant allele.
Comment: Absent from controls (or at low frequency) in gnomAD database (PM2_Moderate), Missense variant in a gene with a low rate of benign missense variation (PP2_Supporting), Multiple lines of computational evidence support a deleterious effect (PP3_Supporting), Patient’s phenotype or family history highly specific for the disease (PP4_Strong)

Classification method: ACMG Guidelines [PMID:25741868] with modifications

GeneDx
Classification: Uncertain significance. Last evaluated: 2021-12-10. Review status: criteria provided, single submitter. Criteria: GeneDx Variant Classification Process June 2021. Collection method: clinical testing. Allele origin: germline. Affected: yes.
Comment: Not observed in large population cohorts (Lek et al., 2016); In silico analysis supports that this missense variant has a deleterious effect on protein structure/function; Has not been previously published as pathogenic or benign to our knowledge; This variant is associated with the following publications: (PMID: 33676511)

Literature cited by the submitters: PubMed 33676511 (cited by Labcorp Genetics (formerly Invitae), Labcorp and Laboratory of Diagnosis and Therapy of Lysosomal Disorders, University of Padova).

NM_000202.8(IDS):c.1418C>T (p.Pro473Leu)

Gene: IDS (iduronate 2-sulfatase; minus strand). Cytogenetic location: Xq28.
Variant type: single nucleotide variant.
Coding change: c.1418C>T on transcript NM_000202.8 (MANE Select); coding-DNA position 1418, C replaced by T.
Protein change: p.Pro473Leu; replaces proline 473 with leucine.
Molecular consequence: missense variant.
Genome position (GRCh38, 1-based): chrX:149,482,981, G>A on the plus strand (C>T on the coding strand, the complement: IDS is on the minus strand). VCF-style: chrX-149482981-G-A. GRCh37 (hg19) VCF-style: chrX-148564512-G-A.
Other names: c.1148C>T, p.Pro383Leu (NM_001166550.4); short protein forms P383L, P473L.
Identifiers: ClinVar variation 988763 (VCV000988763.9), dbSNP rs2089305403, ClinGen allele CA414518139.